The following is an entry in ClinVar:

NM_005476.7(GNE):c.1281+27T>C

Gene: GNE (glucosamine (UDP-N-acetyl)-2-epimerase/N-acetylmannosamine kinase; minus strand). Cytogenetic location: 9p13.3.
Variant type: single nucleotide variant.
Coding change: c.1281+27T>C on transcript NM_005476.7 (MANE Select); 27 bases into the intron after coding-DNA position 1281, T replaced by C.
Molecular consequence: intron variant.
Genome position (GRCh38, 1-based): chr9:36,227,221, A>G on the plus strand (T>C on the coding strand, the complement: GNE is on the minus strand). VCF-style: chr9-36227221-A-G. GRCh37 (hg19) VCF-style: chr9-36227218-A-G.
Other names: p.?; c.1104+27T>C (NM_001190388.2, NM_001374798.1); c.1374+27T>C (NM_001128227.3); c.951+27T>C (NM_001190384.3); c.1128+27T>C (NM_001374797.1); c.1281+27T>C (NM_001190383.3).
Identifiers: ClinVar variation 1198374 (VCV001198374.4), dbSNP rs115052162, ClinGen allele CA5056541.
Genomic context (GRCh38, chr9:36,227,221, plus strand): 5'-TAGTCTTACCTTCCAACTATATATACTTAAAAAAAAAATCAATCGCTCATATGGGATATA[A>G]AGTTAGGAGTTTAGGAGTTATTTTACCTTCATGCTGACTATTGCAACTCGGAGGTTCGTC-3'

ClinVar aggregate classification (germline): Benign/Likely benign. Review status: criteria provided, multiple submitters, no conflicts (2 of 4 stars). 3 submissions from 3 submitters: Benign (1); Likely benign (2). Last evaluated 2022-10-04.

Allele frequency attached by ClinVar (database versions not stated): 1000 Genomes Project 0.00719; 1000 Genomes Project 30x 0.00812; ESP Exome Variant Server 0.00907.
gnomAD v4.1: 2,108 of 1,468,336 alleles (0.14%); highest among the groups gnomAD compares: African/African-American, 2.6%; 28 homozygotes.

Submissions (3):

Mayo Clinic Laboratories, Mayo Clinic
Classification: Benign. Last evaluated: 2022-10-04. Review status: criteria provided, single submitter. Criteria: ACMG Guidelines, 2015. Collection method: clinical testing. Allele origin: germline. Observed: 6 variant alleles.
Comment: BA1, BP4, BP7

GeneDx
Classification: Likely benign. Last evaluated: 2019-04-20. Review status: criteria provided, single submitter. Criteria: GeneDx Variant Classification Process June 2021. Collection method: clinical testing. Allele origin: germline. Affected: yes.

Breakthrough Genomics
Classification: Likely benign. Review status: criteria provided, single submitter. Criteria: ACMG Guidelines, 2015. Collection method: not provided. Allele origin: germline. Inheritance: Autosomal recessive inheritance. Affected: yes.